The following is an entry in ClinVar:

NM_006415.4(SPTLC1):c.139C>T (p.Gln47Ter)

Gene: SPTLC1 (serine palmitoyltransferase long chain base subunit 1; minus strand). Cytogenetic location: 9q22.31.
Variant type: single nucleotide variant.
Coding change: c.139C>T on transcript NM_006415.4 (MANE Select); coding-DNA position 139, C replaced by T.
Protein change: p.Gln47Ter; replaces glutamine 47 with a stop codon.
Molecular consequence: nonsense. On other transcripts: 5 prime UTR variant (2).
Genome position (GRCh38, 1-based): chr9:92,112,481, G>A on the plus strand (C>T on the coding strand, the complement: SPTLC1 is on the minus strand). VCF-style: chr9-92112481-G-A. GRCh37 (hg19) VCF-style: chr9-94874763-G-A.
Other names: c.139C>T, p.Gln47Ter (NM_001281303.2, NM_178324.3); c.-361C>T (NM_001368272.1); c.-327C>T (NM_001368273.1); short protein forms Q47*.
Identifiers: ClinVar variation 642855 (VCV000642855.6), dbSNP rs748093641, ClinGen allele CA5121673.

ClinVar aggregate classification (germline): Uncertain significance (1 of 4 stars; one submission).

Conditions:
Hereditary sensory and autonomic neuropathy type 1 (HSAN1). Also called: HSAN 1; HSN Type I; Hereditary Sensory Neuropathy Type I. Identifiers: Orphanet 36386, MedGen C0020071, MONDO:0018213.

Allele frequency attached by ClinVar (database versions not stated): gnomAD exomes 0.00001 and below 0.00001; gnomAD 0.00001; ExAC 0.00002.

Submission:

Labcorp Genetics (formerly Invitae), Labcorp
Classification: Uncertain significance for Hereditary sensory and autonomic neuropathy type 1. Last evaluated: 2018-09-18. Review status: criteria provided, single submitter. Criteria: Invitae Variant Classification Sherloc (09022015). Collection method: clinical testing. Allele origin: germline.
Comment: This sequence change creates a premature translational stop signal (p.Gln47*) in the SPTLC1 gene. It is expected to result in an absent or disrupted protein product. This variant is present in population databases (rs748093641, ExAC 0.003%). This variant has not been reported in the literature in individuals with SPTLC1-related disease. The current clinical and genetic evidence is not sufficient to establish whether loss-of-function variants in SPTLC1 cause disease. In summary, the available evidence is currently insufficient to determine the role of this variant in disease. Therefore, it has been classified as a Variant of Uncertain Significance.